The following is an entry in ClinVar:

NM_001134831.2(AHI1):c.856G>T (p.Glu286Ter)

Gene: AHI1 (Abelson helper integration site 1; minus strand). Cytogenetic location: 6q23.3.
Variant type: single nucleotide variant.
Coding change: c.856G>T on transcript NM_001134831.2 (MANE Select); coding-DNA position 856, G replaced by T.
Protein change: p.Glu286Ter; replaces glutamic acid 286 with a stop codon.
Molecular consequence: nonsense.
Genome position (GRCh38, 1-based): chr6:135,463,200, C>A on the plus strand (G>T on the coding strand, the complement: AHI1 is on the minus strand). VCF-style: chr6-135463200-C-A. GRCh37 (hg19) VCF-style: chr6-135784338-C-A.
Other names: c.856G>T, p.Glu286Ter (NM_001134830.2, NM_001134832.2, NM_001350503.2 and 2 more transcripts); short protein forms E286*.
Identifiers: ClinVar variation 2831161 (VCV002831161.3), dbSNP rs894830970, ClinGen allele CA365749115.

ClinVar aggregate classification (germline): Pathogenic (1 of 4 stars; one submission).

Conditions:
Joubert syndrome. Also called: CEREBELLOPARENCHYMAL DISORDER IV; JOUBERT-BOLTSHAUSER SYNDROME; Familial aplasia of the vermis. Identifiers: Orphanet 475, MedGen C5979921, MONDO:0018772.

Submission:

Labcorp Genetics (formerly Invitae), Labcorp
Classification: Pathogenic for Joubert syndrome. Last evaluated: 2023-01-22. Review status: criteria provided, single submitter. Criteria: Invitae Variant Classification Sherloc (09022015). Collection method: clinical testing. Allele origin: germline.
Comment: For these reasons, this variant has been classified as Pathogenic. Algorithms developed to predict the effect of sequence changes on RNA splicing suggest that this variant may disrupt the consensus splice site. This variant has not been reported in the literature in individuals affected with AHI1-related conditions. This variant is not present in population databases (gnomAD no frequency). This sequence change creates a premature translational stop signal (p.Glu286*) in the AHI1 gene. It is expected to result in an absent or disrupted protein product. Loss-of-function variants in AHI1 are known to be pathogenic (PMID: 15322546, 16453322, 28442542, 29186038).

Literature cited by the submitters: PubMed 15322546; PubMed 16453322; PubMed 28442542; PubMed 29186038.